The following is an entry in ClinVar:

NM_001048174.2(MUTYH):c.-6-95_42delinsC

Gene: MUTYH (mutY DNA glycosylase; minus strand). Cytogenetic location: 1p34.1.
Variant type: Indel.
Coding change: c.-6-95_42delinsC on transcript NM_001048174.2 (MANE Select); 95 bases into the intron before 6 bases upstream of the start codon through coding-DNA position 42, the reference bases replaced by C.
Molecular consequence: splice acceptor variant, initiator codon variant.
Genome position (GRCh38, 1-based): chr1:45,334,464-45,334,606, 143 bases replaced. GRCh37 (hg19): chr1:45,800,136-45,800,278.
Other names: c.-213-95_-166delinsC (NM_001350651.2); c.-218-95_-171delinsC (NM_001293192.2, NM_001293196.2); c.-277-95_-230delinsC (NM_001350650.2); c.-6-95_42delinsC (NM_001048171.2, NM_001048173.2, NM_001048172.2 and 2 more transcripts); c.37-95_84delinsC (NM_001293190.2, NM_012222.3, NM_001128425.2).
Identifiers: ClinVar variation 648550 (VCV000648550.7), dbSNP rs1570465624, ClinGen allele CA915941279.

ClinVar aggregate classification (germline): Pathogenic (1 of 4 stars; one submission).

Conditions:
Familial adenomatous polyposis 2. Also called: COLORECTAL ADENOMATOUS POLYPOSIS, AUTOSOMAL RECESSIVE; ADENOMAS, MULTIPLE COLORECTAL, AUTOSOMAL RECESSIVE; MYH-associated polyposis; MUTYH Polyposis; Adenomas, multiple colorectal; MUTYH-associated polyposis. Identifiers: Orphanet 220460, Orphanet 247798, MedGen C3272841, MONDO:0012041, OMIM 608456.

Submission:

Labcorp Genetics (formerly Invitae), Labcorp
Classification: Pathogenic for Familial adenomatous polyposis 2. Last evaluated: 2018-10-09. Review status: criteria provided, single submitter. Criteria: Invitae Variant Classification Sherloc (09022015). Collection method: clinical testing. Allele origin: germline.
Comment: For these reasons, this variant has been classified as Pathogenic. This variant is a deletion of the genomic region encompassing part of exon 2 (c.37-95_84delinsC) of the MUTYH gene. It is expected to disrupt RNA splicing and likely results in an absent or disrupted protein product. This variant is not present in population databases (ExAC no frequency). This finding is consistent with autosomal recessive inheritance, and suggests that this variant contributes to disease. Loss-of-function variants in MUTYH are known to be pathogenic (PMID: 18534194, 20663686).

Literature cited by the submitters: PubMed 18534194; PubMed 20663686.